The following is an entry in ClinVar:

ClinVar aggregate classification (germline): Uncertain significance. Review status: criteria provided, multiple submitters, no conflicts (2 of 4 stars). 2 submissions from 2 submitters: Uncertain significance (2). Last evaluated 2025-11-05.

Conditions:
TUB-related disorder. Also called: TUB-related condition.

gnomAD v4.1: 20 of 1,614,132 alleles (0.0012%); highest among the groups gnomAD compares: Middle Eastern, 0.016%; no homozygotes.

Submissions (2):

PreventionGenetics, part of Exact Sciences
Classification: Uncertain significance for TUB-related condition. Last evaluated: 2025-11-05. Review status: criteria provided, single submitter. Criteria: ACMG Guidelines, 2015. Collection method: clinical testing. Allele origin: germline.
Comment: The TUB c.430G>A variant is predicted to result in the amino acid substitution p.Asp144Asn. To our knowledge, this variant has not been reported in the literature. This variant is reported in 0.0062% of alleles in individuals of African descent in gnomAD. At this time, the clinical significance of this variant is uncertain due to the absence of conclusive functional and genetic evidence.

Blueprint Genetics
Classification: Uncertain significance. Last evaluated: 2023-04-05. Review status: criteria provided, single submitter. Criteria: ACMG Guidelines, 2015. Collection method: clinical testing. Allele origin: germline.

NM_177972.3(TUB):c.265G>A (p.Asp89Asn)

Genes: RIC3 (RIC3 acetylcholine receptor chaperone; minus strand), TUB (TUB bipartite transcription factor; plus strand). Cytogenetic location: 11p15.4.
Variant type: single nucleotide variant.
Coding change: c.265G>A on transcript NM_177972.3 (MANE Select); coding-DNA position 265, G replaced by A.
Protein change: p.Asp89Asn; replaces aspartic acid 89 with asparagine.
Molecular consequence: missense variant. On other transcripts: non-coding transcript variant (1).
Genome position (GRCh38, 1-based): chr11:8,094,057, G>A. VCF-style: chr11-8094057-G-A. GRCh37 (hg19) VCF-style: chr11-8115604-G-A.
Other names: c.283G>A, p.Asp95Asn (NM_001440538.1, NM_001440539.1, NM_001440540.1 and 1 more transcripts); c.265G>A, p.Asp89Asn (NM_001440541.1); c.430G>A, p.Asp144Asn (NM_003320.5); c.430G>A (NM_003320.4); short protein forms D95N, D89N, D144N.
Identifiers: ClinVar variation 4910561 (VCV004910561.2).